The following is an entry in ClinVar:

NM_203446.3(SYNJ1):c.-12G>T

Gene: SYNJ1 (synaptojanin 1; minus strand). Cytogenetic location: 21q22.11.
Variant type: single nucleotide variant.
Coding change: c.-12G>T on transcript NM_203446.3 (MANE Select); 12 bases upstream of the start codon, G replaced by T.
Molecular consequence: 5 prime UTR variant. On other transcripts: nonsense (1).
Genome position (GRCh38, 1-based): chr21:32,726,907, C>A on the plus strand (G>T on the coding strand, the complement: SYNJ1 is on the minus strand). VCF-style: chr21-32726907-C-A. GRCh37 (hg19) VCF-style: chr21-34099218-C-A.
Other names: c.-12G>T (NM_001160302.2, NM_001160306.2); c.106G>T, p.Glu36Ter (NM_003895.4); short protein forms E36*.
Identifiers: ClinVar variation 1457606 (VCV001457606.6), dbSNP rs1040540690, ClinGen allele CA319436106.
Genomic context (GRCh38, chr21:32,726,907, plus strand): 5'-GTGGGGGATCCAATTTGTGATAGATCCGGAATCCTTTACTGAACGCCATTCTCCTTTCTT[C>A]GGAGGCAGCCCTGCGAAAACCAAGCAAAGCAAAGCAAATGAAGCTGATGTTTCCTTCTGC-3'

ClinVar aggregate classification (germline): Pathogenic (1 of 4 stars; one submission).

Conditions:
Developmental and epileptic encephalopathy, 53. Also called: Epileptic encephalopathy, early infantile, 53. Identifiers: MedGen C4479313, MONDO:0033362, OMIM 617389.
Early-onset Parkinson disease 20. Also called: PARKINSON DISEASE 20, AUTOSOMAL RECESSIVE EARLY-ONSET. Identifiers: Orphanet 391411, MedGen C3809824, MONDO:0014233, OMIM 615530.

Allele frequency attached by ClinVar (database versions not stated): gnomAD 0.00003 and 0.00004; TOPMed 0.00005.
gnomAD v4.1: 7 of 1,613,892 alleles (0.00043%); highest among the groups gnomAD compares: African/African-American, 0.008%; no homozygotes.

Submission:

Labcorp Genetics (formerly Invitae), Labcorp
Classification: Pathogenic for Developmental and epileptic encephalopathy, 53; Early-onset Parkinson disease 20. Last evaluated: 2024-07-16. Review status: criteria provided, single submitter. Criteria: Invitae Variant Classification Sherloc (09022015). Collection method: clinical testing. Allele origin: germline.
Comment: This sequence change creates a premature translational stop signal (p.Glu36*) in the SYNJ1 gene. It is expected to result in an absent or disrupted protein product. Loss-of-function variants in SYNJ1 are known to be pathogenic (PMID: 25316601, 27435091). This variant is present in population databases (no rsID available, gnomAD 0.01%). This variant has not been reported in the literature in individuals affected with SYNJ1-related conditions. ClinVar contains an entry for this variant (Variation ID: 1457606). For these reasons, this variant has been classified as Pathogenic.

Literature cited by the submitters: PubMed 25316601; PubMed 27435091.